The following is an entry in ClinVar:

NM_001145809.2(MYH14):c.2194A>C (p.Ser732Arg)

Gene: MYH14 (myosin heavy chain 14; plus strand). Cytogenetic location: 19q13.33.
Variant type: single nucleotide variant.
Coding change: c.2194A>C on transcript NM_001145809.2 (MANE Select); coding-DNA position 2194, A replaced by C.
Protein change: p.Ser732Arg; replaces serine 732 with arginine.
Molecular consequence: missense variant.
Genome position (GRCh38, 1-based): chr19:50,257,448, A>C. VCF-style: chr19-50257448-A-C. GRCh37 (hg19) VCF-style: chr19-50760705-A-C.
Other names: c.2095A>C, p.Ser699Arg (NM_001077186.2); c.2071A>C, p.Ser691Arg (NM_024729.4); short protein forms S732R, S699R, S691R.
Identifiers: ClinVar variation 1981313 (VCV001981313.5), dbSNP rs746720419, ClinGen allele CA9592815.

ClinVar aggregate classification (germline): Uncertain significance. Review status: criteria provided, multiple submitters, no conflicts (2 of 4 stars). 2 submissions from 2 submitters: Uncertain significance (2). Last evaluated 2024-12-11.

Allele frequency attached by ClinVar (database versions not stated): gnomAD exomes below 0.00001; gnomAD 0.00001; ExAC 0.00003; TOPMed 0.00006.
gnomAD v4.1: 6 of 1,607,656 alleles (0.00037%); highest among the groups gnomAD compares: African/African-American, 0.0053%; no homozygotes.

Submissions (2):

Women's Health and Genetics/Laboratory Corporation of America, LabCorp
Classification: Uncertain significance. Last evaluated: 2024-12-11. Review status: criteria provided, single submitter. Criteria: LabCorp Variant Classification Summary - May 2015. Collection method: clinical testing. Allele origin: germline.
Comment: Variant summary: MYH14 c.2071A>C (p.Ser691Arg) results in a non-conservative amino acid change located in the Myosin. Large ATPases (IPR001609) of the encoded protein sequence. Three of five in-silico tools predict a damaging effect of the variant on protein function. The variant allele was found at a frequency of 1.3e-05 in 237504 control chromosomes. The available data on variant occurrences in the general population are insufficient to allow any conclusion about variant significance. To our knowledge, no occurrence of c.2071A>C in individuals affected with Autosomal dominant nonsyndromic hearing loss 4A and no experimental evidence demonstrating its impact on protein function have been reported. ClinVar contains an entry for this variant (Variation ID: 1981313). Based on the evidence outlined above, the variant was classified as uncertain significance.

Labcorp Genetics (formerly Invitae), Labcorp
Classification: Uncertain significance. Last evaluated: 2023-08-17. Review status: criteria provided, single submitter. Criteria: Invitae Variant Classification Sherloc (09022015). Collection method: clinical testing. Allele origin: germline.
Comment: This variant has not been reported in the literature in individuals affected with MYH14-related conditions. In summary, the available evidence is currently insufficient to determine the role of this variant in disease. Therefore, it has been classified as a Variant of Uncertain Significance. Advanced modeling of protein sequence and biophysical properties (such as structural, functional, and spatial information, amino acid conservation, physicochemical variation, residue mobility, and thermodynamic stability) performed at Invitae indicates that this missense variant is expected to disrupt MYH14 protein function. ClinVar contains an entry for this variant (Variation ID: 1981313). This variant is present in population databases (rs746720419, gnomAD 0.02%). This sequence change replaces serine, which is neutral and polar, with arginine, which is basic and polar, at codon 691 of the MYH14 protein (p.Ser691Arg).